The following is an entry in ClinVar:

NM_001371904.1(APOA5):c.428G>A (p.Arg143His)

Gene: APOA5 (apolipoprotein A5; minus strand). Cytogenetic location: 11q23.3.
Variant type: single nucleotide variant.
Coding change: c.428G>A on transcript NM_001371904.1 (MANE Select); coding-DNA position 428, G replaced by A.
Protein change: p.Arg143His; replaces arginine 143 with histidine.
Molecular consequence: missense variant.
Genome position (GRCh38, 1-based): chr11:116,790,801, C>T on the plus strand (G>A on the coding strand, the complement: APOA5 is on the minus strand). VCF-style: chr11-116790801-C-T. GRCh37 (hg19) VCF-style: chr11-116661517-C-T.
Other names: c.428G>A, p.Arg143His (NM_001166598.2, NM_052968.5); short protein forms R143H.
Identifiers: ClinVar variation 2636423 (VCV002636423.2), dbSNP rs1565325016, ClinGen allele CA382738432.

ClinVar aggregate classification (germline): Uncertain significance. Review status: criteria provided, multiple submitters, no conflicts (2 of 4 stars). 2 submissions from 2 submitters: Uncertain significance (2). Last evaluated 2024-01-11.

Conditions:
APOA5-related disorder. Also called: APOA5-related condition.
Cardiovascular phenotype. Identifiers: MedGen CN230736.

Allele frequency attached by ClinVar (database versions not stated): gnomAD exomes below 0.00001.

Submissions (2):

Ambry Genetics
Classification: Uncertain significance for Cardiovascular phenotype. Last evaluated: 2024-01-11. Review status: criteria provided, single submitter. Criteria: Ambry Variant Classification Scheme 2023. Collection method: clinical testing. Allele origin: germline.
Comment: The p.R143H variant (also known as c.428G>A), located in coding exon 3 of the APOA5 gene, results from a G to A substitution at nucleotide position 428. The arginine at codon 143 is replaced by histidine, an amino acid with highly similar properties. This amino acid position is conserved. In addition, this alteration is predicted to be tolerated by in silico analysis. Since supporting evidence is limited at this time, the clinical significance of this alteration remains unclear.

PreventionGenetics, part of Exact Sciences
Classification: Uncertain significance for APOA5-related condition. Last evaluated: 2022-12-19. Review status: criteria provided, single submitter. Criteria: ACMG Guidelines, 2015. Collection method: clinical testing. Allele origin: germline.
Comment: The APOA5 c.428G>A variant is predicted to result in the amino acid substitution p.Arg143His. To our knowledge, this variant has not been reported in the literature. This variant is reported in 0.00088% of alleles in individuals of European (Non-Finnish) descent in gnomAD. At this time, the clinical significance of this variant is uncertain due to the absence of conclusive functional and genetic evidence.